The following is an entry in ClinVar:

NM_001363118.2(SLC52A2):c.449G>A (p.Gly150Asp)

Gene: SLC52A2 (solute carrier family 52 member 2; plus strand). Cytogenetic location: 8q24.3.
Variant type: single nucleotide variant.
Coding change: c.449G>A on transcript NM_001363118.2 (MANE Select); coding-DNA position 449, G replaced by A.
Protein change: p.Gly150Asp; replaces glycine 150 with aspartic acid.
Molecular consequence: missense variant. On other transcripts: non-coding transcript variant (1), intron variant (1).
Genome position (GRCh38, 1-based): chr8:144,359,941, G>A. VCF-style: chr8-144359941-G-A. GRCh37 (hg19) VCF-style: chr8-145583601-G-A.
Other names: c.449G>A, p.Gly150Asp (NM_001253815.2, NM_001253816.2, NM_001363120.2 and 2 more transcripts); c.131-174G>A (NM_001363122.2); short protein forms G150D.
Identifiers: ClinVar variation 1484043 (VCV001484043.8), dbSNP rs1365149837, ClinGen allele CA372627184.

ClinVar aggregate classification (germline): Uncertain significance (1 of 4 stars; one submission).

Conditions:
Brown-Vialetto-van Laere syndrome 2. Also called: Riboflavin transporter deficiency type 2; SPINOCEREBELLAR ATAXIA WITH BLINDNESS AND DEAFNESS 2. Identifiers: Orphanet 572543, Orphanet 97229, MedGen C3553538, MONDO:0013867, OMIM 614707.

Allele frequency attached by ClinVar (database versions not stated): TOPMed below 0.00001.

Submission:

Labcorp Genetics (formerly Invitae), Labcorp
Classification: Uncertain significance for Brown-Vialetto-van Laere syndrome 2. Last evaluated: 2020-12-27. Review status: criteria provided, single submitter. Criteria: Invitae Variant Classification Sherloc (09022015). Collection method: clinical testing. Allele origin: germline.
Comment: In summary, the available evidence is currently insufficient to determine the role of this variant in disease. Therefore, it has been classified as a Variant of Uncertain Significance. Advanced modeling of protein sequence and biophysical properties (such as structural, functional, and spatial information, amino acid conservation, physicochemical variation, residue mobility, and thermodynamic stability) performed at Invitae indicates that this missense variant is expected to disrupt SLC52A2 protein function. This variant has been observed in individual(s) with clinical features of SLC52A2- related conditions (Invitae). This variant is not present in population databases (ExAC no frequency). This sequence change replaces glycine with aspartic acid at codon 150 of the SLC52A2 protein (p.Gly150Asp). The glycine residue is highly conserved and there is a moderate physicochemical difference between glycine and aspartic acid.